The following is an entry in ClinVar:

ClinVar aggregate classification (germline): Uncertain significance. Review status: criteria provided, multiple submitters, no conflicts (2 of 4 stars). 2 submissions from 2 submitters: Uncertain significance (2). Last evaluated 2025-01-22.

Conditions:
Rothmund-Thomson syndrome type 2 (RTS2). Identifiers: Orphanet 221016, MedGen C5203410, MONDO:0016369, OMIM 268400.
Baller-Gerold syndrome (BGS). Also called: CRANIOSYNOSTOSIS WITH RADIAL DEFECTS. Identifiers: Orphanet 1225, MedGen C0265308, MONDO:0009039, OMIM 218600.

Allele frequency attached by ClinVar (database versions not stated): ExAC 0.00002; TOPMed 0.00003; gnomAD 0.00004.
gnomAD v4.1: 29 of 1,608,680 alleles (0.0018%); highest among the groups gnomAD compares: Admixed American, 0.0034%; no homozygotes.

Submissions (2):

Labcorp Genetics (formerly Invitae), Labcorp
Classification: Uncertain significance for Baller-Gerold syndrome. Last evaluated: 2025-01-22. Review status: criteria provided, single submitter. Criteria: Invitae Variant Classification Sherloc (09022015). Collection method: clinical testing. Allele origin: germline.
Comment: This sequence change replaces arginine, which is basic and polar, with histidine, which is basic and polar, at codon 1096 of the RECQL4 protein (p.Arg1096His). The frequency data for this variant in the population databases is considered unreliable, as metrics indicate poor data quality at this position in the gnomAD database. This variant has not been reported in the literature in individuals affected with RECQL4-related conditions. ClinVar contains an entry for this variant (Variation ID: 528957). Invitae Evidence Modeling of protein sequence and biophysical properties (such as structural, functional, and spatial information, amino acid conservation, physicochemical variation, residue mobility, and thermodynamic stability) indicates that this missense variant is not expected to disrupt RECQL4 protein function with a negative predictive value of 80%. In summary, the available evidence is currently insufficient to determine the role of this variant in disease. Therefore, it has been classified as a Variant of Uncertain Significance.

Baylor Genetics
Classification: Uncertain significance for Rothmund-Thomson syndrome type 2. Last evaluated: 2020-12-13. Review status: criteria provided, single submitter. Criteria: ACMG Guidelines, 2015. Collection method: clinical testing. Allele origin: unknown. Affected: yes. Study: CSER-TexasKidsCanSeq.
Comment: This variant was determined to be of uncertain significance according to ACMG Guidelines, 2015 [PMID:25741868].

NM_004260.4(RECQL4):c.3287G>A (p.Arg1096His)

Gene: RECQL4 (RecQ like helicase 4; minus strand). Cytogenetic location: 8q24.3.
Variant type: single nucleotide variant.
Coding change: c.3287G>A on transcript NM_004260.4 (MANE Select); coding-DNA position 3287, G replaced by A.
Protein change: p.Arg1096His; replaces arginine 1096 with histidine.
Molecular consequence: missense variant.
Genome position (GRCh38, 1-based): chr8:144,512,017, C>T on the plus strand (G>A on the coding strand, the complement: RECQL4 is on the minus strand). VCF-style: chr8-144512017-C-T. GRCh37 (hg19) VCF-style: chr8-145737400-C-T.
Other names: short protein forms R1096H.
Identifiers: ClinVar variation 528957 (VCV000528957.8), dbSNP rs765087683, ClinGen allele CA4947830.